The following is an entry in ClinVar:

NM_000384.3(APOB):c.12541G>A (p.Glu4181Lys)

Gene: APOB (apolipoprotein B; minus strand). Cytogenetic location: 2p24.1.
Variant type: single nucleotide variant.
Coding change: c.12541G>A on transcript NM_000384.3 (MANE Select); coding-DNA position 12541, G replaced by A.
Protein change: p.Glu4181Lys; replaces glutamic acid 4181 with lysine.
Molecular consequence: missense variant.
Genome position (GRCh38, 1-based): chr2:21,002,881, C>T on the plus strand (G>A on the coding strand, the complement: APOB is on the minus strand). VCF-style: chr2-21002881-C-T. GRCh37 (hg19) VCF-style: chr2-21225753-C-T.
Other names: p.Glu4181Lys; short protein forms E4181K.
Identifiers: ClinVar variation 128417 (VCV000128417.38), dbSNP rs1042031, ClinGen allele CA022778.

ClinVar aggregate classification (germline): Benign/Likely benign. Review status: criteria provided, multiple submitters, no conflicts (2 of 4 stars). 20 submissions from 18 submitters: Benign (13); Likely benign (3). 4 of the submissions do not count toward it. Last evaluated 2026-02-04.

Conditions:
Cardiovascular phenotype. Identifiers: MedGen CN230736.
Hypercholesterolemia, autosomal dominant, type B (FHCL2). Also called: Familial Hypercholesterolemia Type B; APOLIPOPROTEIN B-100, FAMILIAL DEFECTIVE; APOLIPOPROTEIN B-100, FAMILIAL LIGAND-DEFECTIVE; HYPERCHOLESTEROLEMIA, FAMILIAL, DUE TO LIGAND-DEFECTIVE APOLIPOPROTEIN B; Hyperlipoproteinemia Type IIb; Familial hypercholesterolemia 2. Identifiers: MedGen C1704417, MONDO:0007751, OMIM 144010.
Familial hypobetalipoproteinemia 1. Also called: Hypobetalipoproteinemia, normotriglyceridemic; Acanthocytosis with hypobetalipoproteinemia; APOB-Related Familial Hypobetalipoproteinemia. Identifiers: MedGen C4551990, MONDO:0014252, OMIM 615558.
Familial hypercholesterolemia. Also called: Familial hypercholesterolemias; Familial hypercholesterolaemia. Identifiers: MedGen C0020445, MONDO:0005439.
Hypercholesterolemia, familial, 1. Also called: LDL RECEPTOR DISORDER; Hyperlipoproteinemia Type IIa; HYPER-LOW-DENSITY-LIPOPROTEINEMIA; HYPERCHOLESTEROLEMIC XANTHOMATOSIS, FAMILIAL; Fredrickson type IIa hyperlipoproteinemia; Hyperlipoproteinemia type 2. Identifiers: Orphanet 391665, MedGen C0745103, MONDO:0007750, OMIM 143890.

Allele frequency attached by ClinVar (database versions not stated): 1000 Genomes Project 0.12780; 1000 Genomes Project 30x 0.13023; TOPMed 0.15922; gnomAD 0.16481; ESP Exome Variant Server 0.16608.
gnomAD v4.1: 271,570 of 1,612,886 alleles (17%); highest among the groups gnomAD compares: Non-Finnish European, 18%; 23,921 homozygotes.

Submissions (20):

Labcorp Genetics (formerly Invitae), Labcorp
Classification: Benign for Familial hypobetalipoproteinemia 1; Hypercholesterolemia, autosomal dominant, type B. Last evaluated: 2026-02-04. Review status: criteria provided, single submitter. Criteria: Invitae Variant Classification Sherloc (09022015). Collection method: clinical testing. Allele origin: germline.

Molecular Diagnostic Laboratory for Inherited Cardiovascular Disease, Montreal Heart Institute
Classification: Benign. Last evaluated: 2025-04-09. Review status: criteria provided, single submitter. Criteria: ACMG Guidelines, 2015. Collection method: clinical testing. Allele origin: germline. Affected: no.

Blueprint Genetics
Classification: Benign. Last evaluated: 2024-11-26. Review status: criteria provided, single submitter. Criteria: ACMG Guidelines, 2015. Collection method: clinical testing. Allele origin: germline.

GENinCode PLC
Classification: Benign for Familial hypercholesterolemia. Last evaluated: 2022-06-20. Review status: criteria provided, single submitter. Criteria: ACMG Guidelines, 2015. Collection method: clinical testing. Allele origin: germline.

Genome-Nilou Lab
Classification: Benign for Hypercholesterolemia, autosomal dominant, type B. Last evaluated: 2021-07-14. Review status: criteria provided, single submitter. Criteria: ACMG Guidelines, 2015. Collection method: clinical testing. Allele origin: germline. Affected: no.

Genome-Nilou Lab
Classification: Benign for Familial hypobetalipoproteinemia 1. Last evaluated: 2021-07-14. Review status: criteria provided, single submitter. Criteria: ACMG Guidelines, 2015. Collection method: clinical testing. Allele origin: germline. Affected: no.

Color Diagnostics, LLC DBA Color Health
Classification: Benign for Familial hypercholesterolemias. Last evaluated: 2017-07-24. Review status: criteria provided, single submitter. Criteria: ACMG Guidelines, 2015. Collection method: clinical testing. Allele origin: germline.

Illumina Laboratory Services, Illumina
Classification: Likely benign for Familial hypobetalipoproteinemia 1. Last evaluated: 2017-04-27. Review status: criteria provided, single submitter. Criteria: ICSL Variant Classification Criteria 13 December 2019. Collection method: clinical testing. Allele origin: germline.
Comment: This variant was observed as part of a predisposition screen in an ostensibly healthy population. A literature search was performed for the gene, cDNA change, and amino acid change (where applicable). No publications were found based on this search. Allele frequency data from public databases allowed determination this variant is unlikely to cause disease. Therefore, this variant is classified as likely benign.

Illumina Laboratory Services, Illumina
Classification: Likely benign for Hypercholesterolemia, autosomal dominant, type B. Last evaluated: 2017-04-27. Review status: criteria provided, single submitter. Criteria: ICSL Variant Classification Criteria 13 December 2019. Collection method: clinical testing. Allele origin: germline.
Comment: the same text as in the submission from Illumina Laboratory Services, Illumina above.

GeneDx
Classification: Benign. Last evaluated: 2016-10-18. Review status: criteria provided, single submitter. Criteria: GeneDx Variant Classification (06012015). Collection method: clinical testing. Allele origin: germline. Affected: yes.
Comment: This variant is considered likely benign or benign based on one or more of the following criteria: it is a conservative change, it occurs at a poorly conserved position in the protein, it is predicted to be benign by multiple in silico algorithms, and/or has population frequency not consistent with disease.

Cardiovascular Research Group, Instituto Nacional de Saude Doutor Ricardo Jorge
Classification: Benign for Familial hypercholesterolemia. Last evaluated: 2016-03-01. Review status: criteria provided, single submitter. Criteria: ACMG Guidelines, 2015. Collection method: research. Allele origin: germline. Affected: yes.

Laboratory of Genetics and Molecular Cardiology, University of São Paulo
Classification: Benign for Familial hypercholesterolemia. Last evaluated: 2016-03-01. Review status: criteria provided, single submitter. Criteria: ACMG Guidelines, 2015. Collection method: research. Allele origin: germline. Study: HipercolBrasil.

Ambry Genetics
Classification: Benign for Cardiovascular phenotype. Last evaluated: 2015-12-08. Review status: criteria provided, single submitter. Criteria: Ambry Variant Classification Scheme 2023. Collection method: clinical testing. Allele origin: germline.

Mayo Clinic Laboratories, Mayo Clinic
Classification: Benign. Last evaluated: 2014-04-02. Review status: criteria provided, single submitter. Criteria: ACMG Guidelines, 2015. Collection method: clinical testing. Allele origin: germline. Observed: 429 variant alleles.

Breakthrough Genomics
Classification: Likely benign. Review status: criteria provided, single submitter. Criteria: ACMG Guidelines, 2015. Collection method: not provided. Allele origin: germline. Inheritance: Autosomal recessive inheritance. Affected: yes.

PreventionGenetics, part of Exact Sciences
Classification: Benign. Review status: criteria provided, single submitter. Criteria: ACMG Guidelines, 2015. Collection method: clinical testing. Allele origin: germline.

Cohesion Phenomics
Classification: Benign for Familial hypercholesterolemia. Last evaluated: 2023-02-09. Review status: no assertion criteria provided. Criteria: ACMG Guidelines, 2015. Collection method: clinical testing. Allele origin: germline. Affected: yes. Not counted in ClinVar's aggregate classification.

Clinical Genetics, Academic Medical Center
Classification: Benign. Review status: no assertion criteria provided. Collection method: clinical testing. Allele origin: germline. Affected: yes. Study: VKGL Data-share Consensus. Not counted in ClinVar's aggregate classification.

Diagnostic Laboratory, Department of Genetics, University Medical Center Groningen
Classification: Benign. Review status: no assertion criteria provided. Collection method: clinical testing. Allele origin: germline. Affected: yes. Study: VKGL Data-share Consensus. Not counted in ClinVar's aggregate classification.

Genetic Services Laboratory, University of Chicago
Classification: Likely benign for AllHighlyPenetrant. Review status: no assertion criteria provided. Collection method: clinical testing. Allele origin: germline. Inheritance: Autosomal dominant inheritance. Not counted in ClinVar's aggregate classification.
Comment: Likely benign based on allele frequency in 1000 Genomes Project or ESP global frequency and its presence in a patient with a rare or unrelated disease phenotype. NOT Sanger confirmed.